The following is an entry in ClinVar:

ClinVar aggregate classification (germline): Benign. Review status: criteria provided, multiple submitters, no conflicts (2 of 4 stars). 2 submissions from 2 submitters: Benign (2). Last evaluated 2019-10-18.

Allele frequency attached by ClinVar (database versions not stated): gnomAD exomes 0.03111; ExAC 0.03564; 1000 Genomes Project 30x 0.01077; 1000 Genomes Project 0.01078; ESP Exome Variant Server 0.02466; TOPMed 0.02558; gnomAD 0.02924 and 0.03111.
gnomAD v4.1: 55,217 of 1,551,764 alleles (3.6%); highest among the groups gnomAD compares: Non-Finnish European, 3.9%; 1,239 homozygotes.

Submissions (9):

GeneDx
Classification: Benign. Last evaluated: 2019-10-18. Review status: criteria provided, single submitter. Criteria: GeneDx Variant Classification Process June 2021. Collection method: clinical testing. Allele origin: germline. Affected: yes.
Comment: This variant is associated with the following publications: (PMID: 23352160, 27884173)

Breakthrough Genomics
Classification: Benign. Review status: criteria provided, single submitter. Criteria: ACMG Guidelines, 2015. Collection method: not provided. Allele origin: germline. Inheritance: Unknown mechanism. Affected: yes.

Dr. Peter K. Rogan Lab, Western University
No classification provided (evidence only). Condition: Cervical cancer. Review status: no classification provided. Collection method: in vitro. Allele origin: not applicable. Functional consequence: retained intron. Not counted in ClinVar's aggregate classification.

Dr. Peter K. Rogan Lab, Western University
No classification provided (evidence only). Condition: Cervical cancer. Review status: no classification provided. Collection method: in vitro. Allele origin: not applicable. Functional consequence: retained intron. Not counted in ClinVar's aggregate classification.

Dr. Peter K. Rogan Lab, Western University
No classification provided (evidence only). Condition: Hepatocellular carcinoma. Review status: no classification provided. Collection method: in vitro. Allele origin: not applicable. Functional consequence: retained intron. Not counted in ClinVar's aggregate classification.

Dr. Peter K. Rogan Lab, Western University
No classification provided (evidence only). Condition: Cholangiocarcinoma. Review status: no classification provided. Collection method: in vitro. Allele origin: not applicable. Functional consequence: retained intron. Not counted in ClinVar's aggregate classification.

Dr. Peter K. Rogan Lab, Western University
No classification provided (evidence only). Condition: Ovarian serous cystadenocarcinoma. Review status: no classification provided. Collection method: in vitro. Allele origin: not applicable. Functional consequence: retained intron. Not counted in ClinVar's aggregate classification.

Dr. Peter K. Rogan Lab, Western University
No classification provided (evidence only). Condition: Malignant tumor of esophagus. Review status: no classification provided. Collection method: in vitro. Allele origin: not applicable. Functional consequence: retained intron. Not counted in ClinVar's aggregate classification.

Dr. Peter K. Rogan Lab, Western University
No classification provided (evidence only). Condition: Malignant tumor of esophagus. Review status: no classification provided. Collection method: in vitro. Allele origin: not applicable. Functional consequence: retained intron. Not counted in ClinVar's aggregate classification.

NM_016642.4(SPTBN5):c.5647C>T (p.Arg1883Ter)

Gene: SPTBN5 (spectrin beta, non-erythrocytic 5; minus strand). Cytogenetic location: 15q15.1.
Variant type: single nucleotide variant.
Coding change: c.5647C>T on transcript NM_016642.4 (MANE Select); coding-DNA position 5647, C replaced by T.
Protein change: p.Arg1883Ter; replaces arginine 1883 with a stop codon.
Molecular consequence: nonsense.
Genome position (GRCh38, 1-based): chr15:41,870,269, G>A on the plus strand (C>T on the coding strand, the complement: SPTBN5 is on the minus strand). VCF-style: chr15-41870269-G-A. GRCh37 (hg19) VCF-style: chr15-42162467-G-A.
Other names: NC_000015.9:g.42162467G>A; short protein forms R1883*.
Identifiers: ClinVar variation 1297460 (VCV001297460.4), dbSNP rs61750839, ClinGen allele CA7502884.
Genomic context (GRCh38, chr15:41,870,269, plus strand): 5'-GGCCTGGGTCGGAGAGGCAGCCAGCTGGGCTCACCTGCCGCTCGGTGCCCACGAGTTCTC[G>A]CTCCAGCCCCTGGTGGCTTCTCAGCTGCGCCTCCAGCCCACACAGGTCCCGTGCCACATT-3'